The following is an entry in ClinVar:

NM_001378969.1(KCND3):c.1292G>C (p.Arg431Pro)

Gene: KCND3 (potassium voltage-gated channel subfamily D member 3; minus strand). Cytogenetic location: 1p13.2.
Variant type: single nucleotide variant.
Coding change: c.1292G>C on transcript NM_001378969.1 (MANE Select); coding-DNA position 1292, G replaced by C.
Protein change: p.Arg431Pro; replaces arginine 431 with proline.
Molecular consequence: missense variant.
Genome position (GRCh38, 1-based): chr1:111,780,769, C>G on the plus strand (G>C on the coding strand, the complement: KCND3 is on the minus strand). VCF-style: chr1-111780769-C-G. GRCh37 (hg19) VCF-style: chr1-112323391-C-G.
Other names: c.1292G>C, p.Arg431Pro (NM_001378970.1, NM_004980.5, NM_172198.3); short protein forms R431P.
Identifiers: ClinVar variation 2166589 (VCV002166589.4), dbSNP rs771703569, ClinGen allele CA341659341.

ClinVar aggregate classification (germline): Uncertain significance (1 of 4 stars; one submission).

Conditions:
Spinocerebellar ataxia type 19/22 (SCA19). Also called: SPINOCEREBELLAR ATAXIA 22; SPINOCEREBELLAR ATAXIA 19. Identifiers: Orphanet 98772, MedGen C1846367, MONDO:0011819, OMIM 607346.

Submission:

Labcorp Genetics (formerly Invitae), Labcorp
Classification: Uncertain significance for Spinocerebellar ataxia type 19/22. Last evaluated: 2022-08-20. Review status: criteria provided, single submitter. Criteria: Invitae Variant Classification Sherloc (09022015). Collection method: clinical testing. Allele origin: germline.
Comment: In summary, the available evidence is currently insufficient to determine the role of this variant in disease. Therefore, it has been classified as a Variant of Uncertain Significance. Algorithms developed to predict the effect of missense changes on protein structure and function (SIFT, PolyPhen-2, Align-GVGD) all suggest that this variant is likely to be disruptive. This variant has not been reported in the literature in individuals affected with KCND3-related conditions. This variant is not present in population databases (gnomAD no frequency). This sequence change replaces arginine, which is basic and polar, with proline, which is neutral and non-polar, at codon 431 of the KCND3 protein (p.Arg431Pro).